The following is an entry in ClinVar:

ClinVar aggregate classification (germline): Pathogenic. Review status: criteria provided, multiple submitters, no conflicts (2 of 4 stars). 3 submissions from 3 submitters: Pathogenic (2). 1 of the submissions does not count toward it. Last evaluated 2023-06-10.

Conditions:
Congenital disorder of deglycosylation (CDDG). Identifiers: MedGen C3808991, MONDO:0031376.

Submissions (3):

Labcorp Genetics (formerly Invitae), Labcorp
Classification: Pathogenic for Congenital disorder of deglycosylation. Last evaluated: 2023-06-10. Review status: criteria provided, single submitter. Criteria: Invitae Variant Classification Sherloc (09022015). Collection method: clinical testing. Allele origin: germline.
Comment: For these reasons, this variant has been classified as Pathogenic. Algorithms developed to predict the effect of sequence changes on RNA splicing suggest that this variant may disrupt the consensus splice site. ClinVar contains an entry for this variant (Variation ID: 221577). This premature translational stop signal has been observed in individual(s) with NGLY1-CDG (PMID: 27388694). This variant is not present in population databases (gnomAD no frequency). This sequence change creates a premature translational stop signal (p.Trp535*) in the NGLY1 gene. It is expected to result in an absent or disrupted protein product. Loss-of-function variants in NGLY1 are known to be pathogenic (PMID: 24651605).

GeneDx
Classification: Pathogenic. Last evaluated: 2019-03-22. Review status: criteria provided, single submitter. Criteria: GeneDx Variant Classification (06012015). Collection method: clinical testing. Allele origin: germline. Affected: yes.
Comment: The W535X nonsense variant in the NGLY1 gene has been reported previously in a patient with features of NGLY1-CDDG who had a second pathogenic variant on the opposite allele (Lam et al., 2017). This pathogenic variant is predicted to cause loss of normal protein function either through protein truncation or nonsense-mediated mRNA decay. The W535X variant is not observed in large population cohorts (Lek et al., 2016). We interpret W535X as a pathogenic variant.

Medical Biochemical Genetics, National Human Genome institute, NIH, National Institutes of Health
Classification: Pathogenic for NGLY1-CDDG. Last evaluated: 2016-01-07. Review status: no assertion criteria provided. Collection method: clinical testing. Allele origin: inherited. Affected: yes. Observed: 1 variant allele. Not counted in ClinVar's aggregate classification.

Literature cited by the submitters: PubMed 27388694 (cited by Labcorp Genetics (formerly Invitae), Labcorp and Medical Biochemical Genetics, National Human Genome institute, NIH, National Institutes of Health); PubMed 24651605 (cited by Labcorp Genetics (formerly Invitae), Labcorp); PubMed 25900930 (cited by Medical Biochemical Genetics, National Human Genome institute, NIH, National Institutes of Health).

NM_018297.4(NGLY1):c.1604G>A (p.Trp535Ter)

Gene: NGLY1 (N-glycanase 1; minus strand). Cytogenetic location: 3p24.2.
Variant type: single nucleotide variant.
Coding change: c.1604G>A on transcript NM_018297.4 (MANE Select); coding-DNA position 1604, G replaced by A.
Protein change: p.Trp535Ter; replaces tryptophan 535 with a stop codon.
Molecular consequence: nonsense.
Genome position (GRCh38, 1-based): chr3:25,729,140, C>T on the plus strand (G>A on the coding strand, the complement: NGLY1 is on the minus strand). VCF-style: chr3-25729140-C-T. GRCh37 (hg19) VCF-style: chr3-25770631-C-T.
Other names: c.1550G>A, p.Trp517Ter (NM_001145293.2); c.1478G>A, p.Trp493Ter (NM_001145294.2); c.1604G>A, p.Trp535Ter (NM_001145295.2); short protein forms W493*, W535*, W517*.
Identifiers: ClinVar variation 221577 (VCV000221577.6), dbSNP rs767388144, ClinGen allele CA16044058.
Genomic context (GRCh38, chr3:25,729,140, plus strand): 5'-ATATTTGTTTAAACAATGACAAAAGTTTTAAATGGTTTTATGCATTAAGTTACCATGTGC[C>T]AGTCTGTTTCAACTTTTCTGAATATAGATTCCATTTTCCACACGCCATTCTCCCATCCAG-3'